The following is an entry in ClinVar:

NM_006648.4(WNK2):c.4430C>T (p.Pro1477Leu)

Gene: WNK2 (WNK lysine deficient protein kinase 2; plus strand). Cytogenetic location: 9q22.31.
Variant type: single nucleotide variant.
Coding change: c.4430C>T on transcript NM_006648.4 (MANE Select); coding-DNA position 4430, C replaced by T.
Protein change: p.Pro1477Leu; replaces proline 1477 with leucine.
Molecular consequence: missense variant.
Genome position (GRCh38, 1-based): chr9:93,289,184, C>T. VCF-style: chr9-93289184-C-T. GRCh37 (hg19) VCF-style: chr9-96051466-C-T.
Other names: c.4541C>T, p.Pro1514Leu (NM_001282394.3); short protein forms P1477L, P1514L.
Identifiers: ClinVar variation 4201768 (VCV004201768.1).

ClinVar aggregate classification (germline): Uncertain significance (1 of 4 stars; one submission).

gnomAD v4.1: 13 of 1,601,546 alleles (0.00081%); highest among the groups gnomAD compares: Non-Finnish European, 0.0011%; no homozygotes.

Submission:

Ambry Genetics
Classification: Uncertain significance. Last evaluated: 2025-08-20. Review status: criteria provided, single submitter. Criteria: Ambry Variant Classification Scheme 2023. Collection method: clinical testing. Allele origin: germline.
Comment: The p.P1477L variant (also known as c.4430C>T), located in coding exon 19 of the WNK2 gene, results from a C to T substitution at nucleotide position 4430. The proline at codon 1477 is replaced by leucine, an amino acid with similar properties. This amino acid position is conserved. In addition, this alteration is predicted to be tolerated by in silico analysis. Based on the available evidence, the clinical significance of this variant remains unclear.